The following is an entry in ClinVar:

NM_001365276.2(TNXB):c.5791C>T (p.Arg1931Trp)

Gene: TNXB (tenascin XB; minus strand). Cytogenetic location: 6p21.33.
Variant type: single nucleotide variant.
Coding change: c.5791C>T on transcript NM_001365276.2 (MANE Select); coding-DNA position 5791, C replaced by T.
Protein change: p.Arg1931Trp; replaces arginine 1931 with tryptophan.
Molecular consequence: missense variant.
Genome position (GRCh38, 1-based): chr6:32,068,933, G>A on the plus strand (C>T on the coding strand, the complement: TNXB is on the minus strand). VCF-style: chr6-32068933-G-A. GRCh37 (hg19) VCF-style: chr6-32036710-G-A.
Other names: c.5791C>T, p.Arg1931Trp (NM_019105.8); short protein forms R1931W.
Identifiers: ClinVar variation 2624717 (VCV002624717.4), dbSNP rs755808228, ClinGen allele CA363407292.
Genomic context (GRCh38, chr6:32,068,933, plus strand): 5'-CATACAGGGTCACCAGGTATCTGTGGTCGGATTCCAGGCCAGAGAGGGTGATGTCATTCC[G>A]GTCACCTCCTATGCGGACCATTTGGAGTTGCCCGTCTCTATCTGTGTACTGGATTTCGAA-3'
Protein context (NP_001352205.1, residues 1921-1941): QLQMVRIGGD[Arg1931Trp]NDITLSGLES

ClinVar aggregate classification (germline): Uncertain significance. Review status: criteria provided, multiple submitters, no conflicts (2 of 4 stars). 3 submissions from 3 submitters: Uncertain significance (3). Last evaluated 2025-02-17.

Conditions:
Cardiovascular phenotype. Identifiers: MedGen CN230736.

Allele frequency attached by ClinVar (database versions not stated): TOPMed 0.00001.
gnomAD v4.1: 12 of 1,612,794 alleles (0.00074%); highest among the groups gnomAD compares: Admixed American, 0.005%; no homozygotes.

Submissions (3):

Women's Health and Genetics/Laboratory Corporation of America, LabCorp
Classification: Uncertain significance. Last evaluated: 2025-02-17. Review status: criteria provided, single submitter. Criteria: LabCorp Variant Classification Summary - May 2015. Collection method: clinical testing. Allele origin: germline.
Comment: Variant summary: TNXB c.5791C>T (p.Arg1931Trp) results in a non-conservative amino acid change located in the Fibronectin type-III domain (IPR003961) of the encoded protein sequence. Three of five in-silico tools predict a damaging effect of the variant on protein function. The variant allele was found at a frequency of 1.2e-05 in 244422 control chromosomes. The available data on variant occurrences in the general population are insufficient to allow any conclusion about variant significance. To our knowledge, no occurrence of c.5791C>T in individuals affected with TNXB-related conditions and no experimental evidence demonstrating its impact on protein function have been reported. ClinVar contains an entry for this variant (Variation ID: 2624717). Based on the evidence outlined above, the variant was classified as uncertain significance.

Ambry Genetics
Classification: Uncertain significance for Cardiovascular phenotype. Last evaluated: 2023-08-29. Review status: criteria provided, single submitter. Criteria: Ambry Variant Classification Scheme 2023. Collection method: clinical testing. Allele origin: germline.
Comment: The p.R1931W variant (also known as c.5791C>T), located in coding exon 15 of the TNXB gene, results from a C to T substitution at nucleotide position 5791. The arginine at codon 1931 is replaced by tryptophan, an amino acid with dissimilar properties. This amino acid position is conserved. In addition, this alteration is predicted to be tolerated by in silico analysis. Since supporting evidence is limited at this time, the clinical significance of this alteration remains unclear.

GeneDx
Classification: Uncertain significance. Last evaluated: 2023-07-20. Review status: criteria provided, single submitter. Criteria: GeneDx Variant Classification Process June 2021. Collection method: clinical testing. Allele origin: germline. Affected: yes.
Comment: Not observed at significant frequency in large population cohorts (gnomAD); In silico analysis supports that this missense variant has a deleterious effect on protein structure/function; Has not been previously published as pathogenic or benign to our knowledge